The following is an entry in ClinVar:

NM_000785.4(CYP27B1):c.631del (p.Glu211fs)

Gene: CYP27B1 (cytochrome P450 family 27 subfamily B member 1; minus strand). Cytogenetic location: 12q14.1.
Variant type: Deletion.
Coding change: c.631del on transcript NM_000785.4 (MANE Select); coding-DNA position 631, one base deleted (G; older notation c.631delG).
Protein change: p.Glu211fs; shifts the reading frame from glutamic acid 211.
Molecular consequence: frameshift variant.
Genome position (GRCh38, 1-based): chr12:57,765,170, C deleted on the plus strand (G on the coding strand, the reverse complement: CYP27B1 is on the minus strand); the first of 2 consecutive C bases (chr12:57,765,170-57,765,171); deleting either gives the same sequence. VCF-style (leftmost placement, unchanged base first): chr12-57765169-TC-T. GRCh37 (hg19) VCF-style: chr12-58158952-TC-T.
Other names: short protein forms E211fs.
Identifiers: ClinVar variation 1662 (VCV000001662.5), dbSNP rs387906258, ClinGen allele CA115128.
Genomic context (GRCh38, chr12:57,765,169, plus strand): 5'-GACACAAACACCGAGCCCACAGCGCGGATGAAGGTCTCCGTGTCGGGTGGCACTTGAGCC[TC>T]CAGGCAGCCCAAGCGCGAGCCGAGCAGAACCGCGGCGATGCCTTGTCGGGAGGGGGCGCC-3'

ClinVar aggregate classification (germline): Pathogenic. Review status: criteria provided, single submitter (1 of 4 stars). 2 submissions from 2 submitters: Pathogenic (1). 1 of the submissions does not count toward it. Last evaluated 2023-01-10.

Conditions:
Vitamin D-dependent rickets, type 1A. Also called: PDDR IA; PSEUDOVITAMIN D-DEFICIENCY RICKETS, TYPE IA; VITAMIN D HYDROXYLATION-DEFICIENT RICKETS, TYPE 1A. Identifiers: MedGen CN283242, MONDO:0020723, OMIM 264700.

Submissions (2):

Labcorp Genetics (formerly Invitae), Labcorp
Classification: Pathogenic. Last evaluated: 2023-01-10. Review status: criteria provided, single submitter. Criteria: Invitae Variant Classification Sherloc (09022015). Collection method: clinical testing. Allele origin: germline.
Comment: ClinVar contains an entry for this variant (Variation ID: 1662). This sequence change creates a premature translational stop signal (p.Glu211Argfs*24) in the CYP27B1 gene. It is expected to result in an absent or disrupted protein product. Loss-of-function variants in CYP27B1 are known to be pathogenic (PMID: 9837822, 17488797). This variant is not present in population databases (gnomAD no frequency). This premature translational stop signal has been observed in individual(s) with vitamin D-dependent rickets (PMID: 9415400). For these reasons, this variant has been classified as Pathogenic.

OMIM
Classification: Pathogenic for VITAMIN D HYDROXYLATION-DEFICIENT RICKETS, TYPE 1A. Last evaluated: 1997-12-01. Review status: no assertion criteria provided. Collection method: literature only. Allele origin: germline. Not counted in ClinVar's aggregate classification.

Literature cited by the submitters: PubMed 9837822 (cited by Labcorp Genetics (formerly Invitae), Labcorp); PubMed 17488797 (cited by Labcorp Genetics (formerly Invitae), Labcorp); PubMed 9415400 (cited by Labcorp Genetics (formerly Invitae), Labcorp and OMIM).